The following is an entry in ClinVar:

NM_002335.4(LRP5):c.3843C>T (p.Asp1281=)

Gene: LRP5 (LDL receptor related protein 5; plus strand). Cytogenetic location: 11q13.2.
Variant type: single nucleotide variant.
Coding change: c.3843C>T on transcript NM_002335.4 (MANE Select); coding-DNA position 3843, C replaced by T.
Protein change: p.Asp1281=; no amino-acid change (aspartic acid 1281 retained).
Molecular consequence: synonymous variant.
Genome position (GRCh38, 1-based): chr11:68,433,681, C>T. VCF-style: chr11-68433681-C-T. GRCh37 (hg19) VCF-style: chr11-68201149-C-T.
Other names: c.3843C>T (NM_002335.3); c.2100C>T, p.Asp700= (NM_001291902.2).
Identifiers: ClinVar variation 1663642 (VCV001663642.11), dbSNP rs200373872, ClinGen allele CA6150128.

ClinVar aggregate classification (germline): Likely benign. Review status: criteria provided, multiple submitters, no conflicts (2 of 4 stars). 3 submissions from 3 submitters: Likely benign (2). 1 of the submissions does not count toward it. Last evaluated 2025-11-22.

Conditions:
LRP5-related disorder. Also called: LRP5-related condition.

Allele frequency attached by ClinVar (database versions not stated): TOPMed 0.00002; gnomAD exomes 0.00003 and 0.00006; gnomAD 0.00004 and 0.00005; ExAC 0.00006; 1000 Genomes Project 30x 0.00031; 1000 Genomes Project 0.00040.
gnomAD v4.1: 51 of 1,613,320 alleles (0.0032%); highest among the groups gnomAD compares: East Asian, 0.029%; no homozygotes.

Submissions (3):

Labcorp Genetics (formerly Invitae), Labcorp
Classification: Likely benign. Last evaluated: 2025-11-22. Review status: criteria provided, single submitter. Criteria: Invitae Variant Classification Sherloc (09022015). Collection method: clinical testing. Allele origin: germline.

Blueprint Genetics
Classification: Likely benign. Last evaluated: 2024-07-29. Review status: criteria provided, single submitter. Criteria: ACMG Guidelines, 2015. Collection method: clinical testing. Allele origin: germline.

PreventionGenetics, part of Exact Sciences
Classification: Likely benign for LRP5-related condition. Last evaluated: 2019-06-26. Review status: no assertion criteria provided. Collection method: clinical testing. Allele origin: germline. Not counted in ClinVar's aggregate classification.
Comment: This variant is classified as likely benign based on ACMG/AMP sequence variant interpretation guidelines (Richards et al. 2015 PMID: 25741868, with internal and published modifications).